The following is an entry in ClinVar:

NM_020987.5(ANK3):c.689T>C (p.Val230Ala)

Gene: ANK3 (ankyrin 3; minus strand). Cytogenetic location: 10q21.2.
Variant type: single nucleotide variant.
Coding change: c.689T>C on transcript NM_020987.5 (MANE Select); coding-DNA position 689, T replaced by C.
Protein change: p.Val230Ala; replaces valine 230 with alanine.
Molecular consequence: missense variant.
Genome position (GRCh38, 1-based): chr10:60,263,845, A>G on the plus strand (T>C on the coding strand, the complement: ANK3 is on the minus strand). VCF-style: chr10-60263845-A-G. GRCh37 (hg19) VCF-style: chr10-62023603-A-G.
Other names: c.671T>C, p.Val224Ala (NM_001204403.2); c.638T>C, p.Val213Ala (NM_001204404.2); c.689T>C, p.Val230Ala (NM_001320874.2); short protein forms V213A, V224A, V230A.
Identifiers: ClinVar variation 4687019 (VCV004687019.1).

ClinVar aggregate classification (germline): Uncertain significance (1 of 4 stars; one submission).

Submission:

GeneDx
Classification: Uncertain significance. Last evaluated: 2025-07-23. Review status: criteria provided, single submitter. Criteria: GeneDx Variant Classification Process June 2021. Collection method: clinical testing. Allele origin: germline. Affected: yes.
Comment: Not observed at significant frequency in large population cohorts (gnomAD); In silico analysis supports that this missense variant has a deleterious effect on protein structure/function; Has not been previously published as pathogenic or benign to our knowledge